The following is an entry in ClinVar:

ClinVar aggregate classification (germline): Benign/Likely benign. Review status: criteria provided, multiple submitters, no conflicts (2 of 4 stars). 6 submissions from 6 submitters: Benign (4); Likely benign (1). 1 of the submissions does not count toward it. Last evaluated 2026-08-01.

Allele frequency attached by ClinVar (database versions not stated): ESP Exome Variant Server 0.00500; gnomAD 0.00530 and 0.00538; gnomAD exomes 0.00607; ExAC 0.00845; 1000 Genomes Project 30x 0.00234; 1000 Genomes Project 0.00240; TOPMed 0.00453.
gnomAD v4.1: 10,631 of 1,610,346 alleles (0.66%); highest among the groups gnomAD compares: Middle Eastern, 1.2%; 68 homozygotes.

Submissions (6):

CeGaT Center for Human Genetics Tuebingen
Classification: Benign. Last evaluated: 2026-08-01. Review status: criteria provided, single submitter. Criteria: CeGaT Center For Human Genetics Tuebingen Variant Classification Criteria Version 2. Collection method: clinical testing. Allele origin: germline. Affected: yes. Observed: 58 variant alleles.
Comment: KMT2C: BS1, BS2

Labcorp Genetics (formerly Invitae), Labcorp
Classification: Benign. Last evaluated: 2026-01-25. Review status: criteria provided, single submitter. Criteria: Invitae Variant Classification Sherloc (09022015). Collection method: clinical testing. Allele origin: germline.

Genomic Medicine Center of Excellence, King Faisal Specialist Hospital and Research Centre
Classification: Likely benign. Last evaluated: 2025-08-18. Review status: criteria provided, single submitter. Criteria: ACMG Guidelines, 2015. Collection method: clinical testing. Allele origin: germline.

Genomic Diagnostic Laboratory, Division of Genomic Diagnostics, Children's Hospital of Philadelphia
Classification: Benign. Last evaluated: 2015-03-06. Review status: criteria provided, single submitter. Criteria: DGD Variant Analysis Guidelines. Collection method: clinical testing. Allele origin: unknown.

Breakthrough Genomics
Classification: Benign. Review status: criteria provided, single submitter. Criteria: ACMG Guidelines, 2015. Collection method: not provided. Allele origin: germline. Inheritance: Autosomal dominant inheritance. Affected: yes.

ITMI
No classification provided. Condition: AllHighlyPenetrant. Last evaluated: 2013-09-19. Review status: no classification provided. Collection method: reference population. Allele origin: germline. Not counted in ClinVar's aggregate classification.
Comment: Please see associated publication for description of ethnicities

Literature cited by the submitters: PubMed 24728327 (cited by ITMI).

NM_170606.3(KMT2C):c.3955G>C (p.Asp1319His)

Gene: KMT2C (lysine methyltransferase 2C; minus strand). Cytogenetic location: 7q36.1.
Variant type: single nucleotide variant.
Coding change: c.3955G>C on transcript NM_170606.3 (MANE Select); coding-DNA position 3955, G replaced by C.
Protein change: p.Asp1319His; replaces aspartic acid 1319 with histidine.
Molecular consequence: missense variant.
Genome position (GRCh38, 1-based): chr7:152,205,112, C>G on the plus strand (G>C on the coding strand, the complement: KMT2C is on the minus strand). VCF-style: chr7-152205112-C-G. GRCh37 (hg19) VCF-style: chr7-151902197-C-G.
Other names: short protein forms D1319H.
Identifiers: ClinVar variation 134747 (VCV000134747.42), dbSNP rs138119145, ClinGen allele CA248743.